The following is an entry in ClinVar:

ClinVar aggregate classification (germline): Uncertain significance (1 of 4 stars; one submission).

Submission:

GeneDx
Classification: Uncertain significance. Last evaluated: 2021-10-19. Review status: criteria provided, single submitter. Criteria: GeneDx Variant Classification Process June 2021. Collection method: clinical testing. Allele origin: germline. Affected: yes.
Comment: In silico analysis supports that this variant does not alter splicing; Has not been previously published as pathogenic or benign to our knowledge

NM_001379200.1(TBX1):c.1227G>A (p.Leu409=)

Gene: TBX1 (T-box transcription factor 1; plus strand). Cytogenetic location: 22q11.21.
Variant type: single nucleotide variant.
Coding change: c.1227G>A on transcript NM_001379200.1 (MANE Select); coding-DNA position 1227, G replaced by A.
Protein change: p.Leu409=; no amino-acid change (leucine 409 retained).
Molecular consequence: synonymous variant. On other transcripts: intron variant (2).
Genome position (GRCh38, 1-based): chr22:19,766,579, G>A. VCF-style: chr22-19766579-G-A. GRCh37 (hg19) VCF-style: chr22-19754102-G-A.
Other names: c.1200G>A, p.Leu400= (NM_080647.1); c.1009+577G>A (NM_005992.1, NM_080646.2).
Identifiers: ClinVar variation 1678682 (VCV001678682.2), dbSNP rs762662497, ClinGen allele CA10102673.